The following is an entry in ClinVar:

ClinVar aggregate classification (germline): Uncertain significance (1 of 4 stars; one submission).

Conditions:
Symmetrical dyschromatosis of extremities (DSH). Also called: DYSCHROMATOSIS SYMMETRICA HEREDITARIA 1; RETICULATE ACROPIGMENTATION OF DOHI; SYMMETRIC DYSCHROMATOSIS OF THE EXTREMITIES; Dyschromatosis symmetrica hereditaria. Identifiers: Orphanet 41, MedGen C0406775, MONDO:0007483, OMIM 127400.
Aicardi-Goutieres syndrome 6 (AGS6). Identifiers: Orphanet 51, MedGen C3539013, MONDO:0014007, OMIM 615010.

Submission:

Labcorp Genetics (formerly Invitae), Labcorp
Classification: Uncertain significance for Aicardi-Goutieres syndrome 6; Symmetrical dyschromatosis of extremities. Last evaluated: 2024-10-16. Review status: criteria provided, single submitter. Criteria: Invitae Variant Classification Sherloc (09022015). Collection method: clinical testing. Allele origin: germline.
Comment: This sequence change replaces alanine, which is neutral and non-polar, with valine, which is neutral and non-polar, at codon 378 of the ADAR protein (p.Ala378Val). This variant is not present in population databases (gnomAD no frequency). This variant has not been reported in the literature in individuals affected with ADAR-related conditions. Invitae Evidence Modeling of protein sequence and biophysical properties (such as structural, functional, and spatial information, amino acid conservation, physicochemical variation, residue mobility, and thermodynamic stability) indicates that this missense variant is not expected to disrupt ADAR protein function with a negative predictive value of 80%. In summary, the available evidence is currently insufficient to determine the role of this variant in disease. Therefore, it has been classified as a Variant of Uncertain Significance.

NM_001111.5(ADAR):c.1133C>T (p.Ala378Val)

Gene: ADAR (adenosine deaminase RNA specific; minus strand). Cytogenetic location: 1q21.3.
Variant type: single nucleotide variant.
Coding change: c.1133C>T on transcript NM_001111.5 (MANE Select); coding-DNA position 1133, C replaced by T.
Protein change: p.Ala378Val; replaces alanine 378 with valine.
Molecular consequence: missense variant.
Genome position (GRCh38, 1-based): chr1:154,601,509, G>A on the plus strand (C>T on the coding strand, the complement: ADAR is on the minus strand). VCF-style: chr1-154601509-G-A. GRCh37 (hg19) VCF-style: chr1-154573985-G-A.
Other names: c.248C>T, p.Ala83Val (NM_001025107.3, NM_001193495.2, NM_001365046.1 and 3 more transcripts); c.1160C>T, p.Ala387Val (NM_001365045.1); c.1133C>T, p.Ala378Val (NM_015840.4, NM_015841.4); short protein forms A378V, A387V, A83V.
Identifiers: ClinVar variation 3747873 (VCV003747873.2).